The following is an entry in ClinVar:

NM_002941.4(ROBO1):c.1776A>G (p.Thr592=)

Gene: ROBO1 (roundabout guidance receptor 1; minus strand). Cytogenetic location: 3p12.3.
Variant type: single nucleotide variant.
Coding change: c.1776A>G on transcript NM_002941.4 (MANE Select); coding-DNA position 1776, A replaced by G.
Protein change: p.Thr592=; no amino-acid change (threonine 592 retained).
Molecular consequence: synonymous variant.
Genome position (GRCh38, 1-based): chr3:78,668,157, T>C on the plus strand (A>G on the coding strand, the complement: ROBO1 is on the minus strand). VCF-style: chr3-78668157-T-C. GRCh37 (hg19) VCF-style: chr3-78717307-T-C.
Other names: c.1776A>G (NM_002941.3); c.1668A>G, p.Thr556= (NM_001145845.2, NM_133631.4).
Identifiers: ClinVar variation 1600939 (VCV001600939.17), dbSNP rs374858268, ClinGen allele CA2498869.

ClinVar aggregate classification (germline): Benign/Likely benign. Review status: criteria provided, multiple submitters, no conflicts (2 of 4 stars). 3 submissions from 3 submitters: Benign (1); Likely benign (1). 1 of the submissions does not count toward it. Last evaluated 2026-09-01.

Conditions:
ROBO1-related disorder. Also called: ROBO1-related condition.

Allele frequency attached by ClinVar (database versions not stated): ESP Exome Variant Server 0.00025; 1000 Genomes Project 30x 0.00031; gnomAD exomes 0.00035 and 0.00060; 1000 Genomes Project 0.00040; gnomAD 0.00045 and 0.00046; TOPMed 0.00053; ExAC 0.00057.
gnomAD v4.1: 622 of 1,613,764 alleles (0.039%); highest among the groups gnomAD compares: Middle Eastern, 0.2%; 1 homozygote.

Submissions (3):

CeGaT Center for Human Genetics Tuebingen
Classification: Likely benign. Last evaluated: 2026-09-01. Review status: criteria provided, single submitter. Criteria: CeGaT Center For Human Genetics Tuebingen Variant Classification Criteria Version 2. Collection method: clinical testing. Allele origin: germline. Affected: yes. Observed: 3 variant alleles.
Comment: ROBO1: BP4, BP7

Labcorp Genetics (formerly Invitae), Labcorp
Classification: Benign. Last evaluated: 2026-02-02. Review status: criteria provided, single submitter. Criteria: Invitae Variant Classification Sherloc (09022015). Collection method: clinical testing. Allele origin: germline.

PreventionGenetics, part of Exact Sciences
Classification: Likely benign for ROBO1-related condition. Last evaluated: 2019-02-21. Review status: no assertion criteria provided. Collection method: clinical testing. Allele origin: germline. Not counted in ClinVar's aggregate classification.
Comment: This variant is classified as likely benign based on ACMG/AMP sequence variant interpretation guidelines (Richards et al. 2015 PMID: 25741868, with internal and published modifications).